The following is an entry in ClinVar:

ClinVar aggregate classification (germline): Conflicting classifications of pathogenicity. Review status: criteria provided, conflicting classifications (1 of 4 stars). 4 submissions from 4 submitters: Uncertain significance (1); Likely benign (3). Last evaluated 2025-12-13.

Conditions:
Cardiovascular phenotype. Identifiers: MedGen CN230736.
Cardiac arrhythmia. Also called: Cardiac rhythm disease; Arrhythmia. Identifiers: MedGen C0003811, MONDO:0007263, HP:0011675.
Long QT syndrome (LQTS). Identifiers: MedGen C0023976, MeSH D008133, MONDO:0002442. Disease mechanism: loss of function. Inheritance: Various modes of inheritance.

Allele frequency attached by ClinVar (database versions not stated): gnomAD below 0.00001 and 0.00001; TOPMed 0.00001; ExAC 0.00007; gnomAD exomes 0.00009; 1000 Genomes Project 30x 0.00016; 1000 Genomes Project 0.00020.
gnomAD v4.1: 55 of 1,613,864 alleles (0.0034%); highest among the groups gnomAD compares: South Asian, 0.048%; no homozygotes.

Submissions (4):

Labcorp Genetics (formerly Invitae), Labcorp
Classification: Likely benign for Long QT syndrome. Last evaluated: 2025-12-13. Review status: criteria provided, single submitter. Criteria: Invitae Variant Classification Sherloc (09022015). Collection method: clinical testing. Allele origin: germline.

Color Diagnostics, LLC DBA Color Health
Classification: Likely benign for Cardiac arrhythmia. Last evaluated: 2024-08-06. Review status: criteria provided, single submitter. Criteria: ACMG Guidelines, 2015. Collection method: clinical testing. Allele origin: germline.

All of Us Research Program, National Institutes of Health
Classification: Uncertain significance for Long QT syndrome. Last evaluated: 2023-12-01. Review status: criteria provided, single submitter. Criteria: ACMG Guidelines, 2015. Collection method: clinical testing. Allele origin: germline. Inheritance: Autosomal dominant inheritance. Observed: 4 variant alleles, 4 heterozygotes.
Comment: This missense variant replaces alanine with serine at codon 399 of the KCNQ1 protein. Computational prediction is inconclusive regarding the impact of this variant on protein structure and function (internally defined REVEL score threshold 0.5 < inconclusive < 0.7, PMID: 27666373). To our knowledge, functional studies have not been reported for this variant. This variant has not been reported in individuals affected with cardiovascular disorders in the literature. This variant has been identified in 22/251228 chromosomes in the general population by the Genome Aggregation Database (gnomAD). The relatively high frequency of this variant in the general population suggests that this variant is unlikely to be disease-causing. However, additional studies are necessary to determine the role of this variant in disease conclusively. Therefore, this variant is classified as a Variant of Uncertain Significance.

This study involves interpretation of variants in research participants for the purpose of population health screening. Participant phenotype was not available at the time of variant classification. Additional details can be found in publication PMID: 35346344, PMCID: PMC8962531

Ambry Genetics
Classification: Likely benign for Cardiovascular phenotype. Last evaluated: 2022-12-21. Review status: criteria provided, single submitter. Criteria: Ambry Variant Classification Scheme 2023. Collection method: clinical testing. Allele origin: germline.

NM_000218.3(KCNQ1):c.1195G>T (p.Ala399Ser)

Gene: KCNQ1 (potassium voltage-gated channel subfamily Q member 1; plus strand). Cytogenetic location: 11p15.5.
Variant type: single nucleotide variant.
Coding change: c.1195G>T on transcript NM_000218.3 (MANE Select); coding-DNA position 1195, G replaced by T.
Protein change: p.Ala399Ser; replaces alanine 399 with serine.
Molecular consequence: missense variant.
Genome position (GRCh38, 1-based): chr11:2,587,636, G>T. VCF-style: chr11-2587636-G-T. GRCh37 (hg19) VCF-style: chr11-2608866-G-T.
Other names: c.1099G>T, p.Ala367Ser (NM_001406836.1); c.925G>T, p.Ala309Ser (NM_001406837.1); c.655G>T, p.Ala219Ser (NM_001406838.1); c.814G>T, p.Ala272Ser (NM_181798.2); short protein forms A272S, A399S, A309S, A367S, A219S.
Identifiers: ClinVar variation 985535 (VCV000985535.18), dbSNP rs571899254, ClinGen allele CA5822079.